The following is an entry in ClinVar:

NM_017763.6(RNF43):c.2108C>T (p.Pro703Leu)

Gene: RNF43 (ring finger protein 43; minus strand). Cytogenetic location: 17q22.
Variant type: single nucleotide variant.
Coding change: c.2108C>T on transcript NM_017763.6 (MANE Select); coding-DNA position 2108, C replaced by T.
Protein change: p.Pro703Leu; replaces proline 703 with leucine.
Molecular consequence: missense variant.
Genome position (GRCh38, 1-based): chr17:58,357,668, G>A on the plus strand (C>T on the coding strand, the complement: RNF43 is on the minus strand). VCF-style: chr17-58357668-G-A. GRCh37 (hg19) VCF-style: chr17-56435029-G-A.
Other names: c.2108C>T (NM_017763.4); c.2108C>T, p.Pro703Leu (NM_001305544.3); c.1727C>T, p.Pro576Leu (NM_001305545.2); short protein forms P576L, P703L.
Identifiers: ClinVar variation 2678403 (VCV002678403.3), dbSNP rs1972717825, ClinGen allele CA400386179.

ClinVar aggregate classification (germline): Uncertain significance. Review status: criteria provided, multiple submitters, no conflicts (2 of 4 stars). 3 submissions from 3 submitters: Uncertain significance (3). Last evaluated 2025-02-28.

Conditions:
Sessile serrated polyposis cancer syndrome (SSPCS). Identifiers: Orphanet 157798, MedGen C4310714, MONDO:0014919, OMIM 617108.

Submissions (3):

Ambry Genetics
Classification: Uncertain significance. Last evaluated: 2025-02-28. Review status: criteria provided, single submitter. Criteria: Ambry Variant Classification Scheme 2023. Collection method: clinical testing. Allele origin: germline.
Comment: The p.P703L variant (also known as c.2108C>T), located in coding exon 8 of the RNF43 gene, results from a C to T substitution at nucleotide position 2108. The proline at codon 703 is replaced by leucine, an amino acid with similar properties. This amino acid position is conserved. In addition, this alteration is predicted to be tolerated by in silico analysis. Based on the available evidence, the clinical significance of this variant remains unclear.

Baylor Genetics
Classification: Uncertain significance for Sessile serrated polyposis cancer syndrome. Last evaluated: 2023-09-20. Review status: criteria provided, single submitter. Criteria: ACMG Guidelines, 2015. Collection method: clinical testing. Allele origin: unknown.

GeneDx
Classification: Uncertain significance. Last evaluated: 2023-01-24. Review status: criteria provided, single submitter. Criteria: GeneDx Variant Classification Process June 2021. Collection method: clinical testing. Allele origin: germline. Affected: yes.
Comment: Not observed at significant frequency in large population cohorts (gnomAD); In silico analysis supports that this missense variant does not alter protein structure/function; Has not been previously published as pathogenic or benign to our knowledge; Variants in candidate genes are classified as variants of uncertain significance in accordance with ACMG guidelines (Richards et al., 2015)